The following is an entry in ClinVar:

NM_004085.4(TIMM8A):c.-6C>T

Genes: TIMM8A (translocase of inner mitochondrial membrane 8A; minus strand), LOC130068494 (ATAC-STARR-seq lymphoblastoid active region 29808; plus strand). Cytogenetic location: Xq22.1.
Variant type: single nucleotide variant.
Coding change: c.-6C>T on transcript NM_004085.4 (MANE Select); 6 bases upstream of the start codon, C replaced by T.
Molecular consequence: 5 prime UTR variant.
Genome position (GRCh38, 1-based): chrX:101,348,670, G>A on the plus strand (C>T on the coding strand, the complement: TIMM8A is on the minus strand). VCF-style: chrX-101348670-G-A. GRCh37 (hg19) VCF-style: chrX-100603658-G-A.
Other names: c.-6C>T (NM_001145951.2).
Identifiers: ClinVar variation 137659 (VCV000137659.15), dbSNP rs180806413, ClinGen allele CA178158.

ClinVar aggregate classification (germline): Benign/Likely benign. Review status: criteria provided, multiple submitters, no conflicts (2 of 4 stars). 7 submissions from 7 submitters: Benign (3); Likely benign (1). 3 of the submissions do not count toward it. Last evaluated 2024-11-28.

Conditions:
Inborn genetic diseases. Identifiers: MedGen C0950123, MeSH D030342.

Allele frequency attached by ClinVar (database versions not stated): 1000 Genomes Project 0.00185; 1000 Genomes Project 30x 0.00208; TOPMed 0.00654; ExAC 0.00686; gnomAD exomes 0.00687 and 0.01095; gnomAD 0.00710 and 0.00726; ESP Exome Variant Server 0.00757.
gnomAD v4.1: 12,727 of 1,208,756 alleles (1.1%); highest among the groups gnomAD compares: Non-Finnish European, 1.3%; 53 homozygotes.

Submissions (7):

Blueprint Genetics
Classification: Likely benign. Last evaluated: 2024-11-28. Review status: criteria provided, single submitter. Criteria: ACMG Guidelines, 2015. Collection method: clinical testing. Allele origin: germline.

Ambry Genetics
Classification: Benign for Inborn genetic diseases. Last evaluated: 2016-05-02. Review status: criteria provided, single submitter. Criteria: Ambry Variant Classification Scheme 2023. Collection method: clinical testing. Allele origin: germline.

GeneDx
Classification: Benign. Last evaluated: 2014-03-20. Review status: criteria provided, single submitter. Criteria: GeneDx Variant Classification (06012015). Collection method: clinical testing. Allele origin: germline. Affected: yes.
Comment: This variant is considered likely benign or benign based on one or more of the following criteria: it is a conservative change, it occurs at a poorly conserved position in the protein, it is predicted to be benign by multiple in silico algorithms, and/or has population frequency not consistent with disease.

Laboratory for Molecular Medicine, Mass General Brigham Personalized Medicine
Classification: Benign. Last evaluated: 2012-04-30. Review status: criteria provided, single submitter. Criteria: LMM Criteria. Collection method: clinical testing. Allele origin: germline. Observed: 19 variant alleles.
Comment: -6C>T in Exon 01 of TIMM8A: This variant is not expected to have clinical signif icance because it has been identified in 1.0% (58/5545) of European American chr omosomes from a broad population by the NHLBI Exome Sequencing Project (vs.gs.washingto

Mayo Clinic Laboratories, Mayo Clinic
Classification: Likely benign. Last evaluated: 2016-02-23. Review status: no assertion criteria provided. Collection method: clinical testing. Allele origin: unknown. Not counted in ClinVar's aggregate classification.

Clinical Genetics, Academic Medical Center
Classification: Benign. Review status: no assertion criteria provided. Collection method: clinical testing. Allele origin: germline. Affected: yes. Study: VKGL Data-share Consensus. Not counted in ClinVar's aggregate classification.

Diagnostic Laboratory, Department of Genetics, University Medical Center Groningen
Classification: Likely benign. Review status: no assertion criteria provided. Collection method: clinical testing. Allele origin: germline. Affected: yes. Study: VKGL Data-share Consensus. Not counted in ClinVar's aggregate classification.